The following is an entry in ClinVar:

NM_005228.5(EGFR):c.335A>T (p.Tyr112Phe)

Gene: EGFR (epidermal growth factor receptor; plus strand). Cytogenetic location: 7p11.2.
Variant type: single nucleotide variant.
Coding change: c.335A>T on transcript NM_005228.5 (MANE Select); coding-DNA position 335, A replaced by T.
Protein change: p.Tyr112Phe; replaces tyrosine 112 with phenylalanine.
Molecular consequence: missense variant. On other transcripts: intron variant (1).
Genome position (GRCh38, 1-based): chr7:55,143,399, A>T. VCF-style: chr7-55143399-A-T. GRCh37 (hg19) VCF-style: chr7-55211092-A-T.
Other names: c.335A>T, p.Tyr112Phe (NM_001346897.2, NM_001346898.2, NM_001346899.2 and 3 more transcripts); c.176A>T, p.Tyr59Phe (NM_001346900.2); c.89-12431A>T (NM_001346941.2); short protein forms Y112F, Y59F.
Identifiers: ClinVar variation 2813413 (VCV002813413.4), dbSNP rs2128927373, ClinGen allele CA367575817.

ClinVar aggregate classification (germline): Uncertain significance. Review status: criteria provided, multiple submitters, no conflicts (2 of 4 stars). 2 submissions from 2 submitters: Uncertain significance (2). Last evaluated 2025-07-09.

Conditions:
Hereditary cancer-predisposing syndrome. Also called: Tumor predisposition; Hereditary Cancer Syndrome; Hereditary neoplastic syndrome; Neoplastic Syndromes, Hereditary. Identifiers: Orphanet 140162, MedGen C0027672, MeSH D009386, MONDO:0015356.
EGFR-related lung cancer (EGFR). Identifiers: MedGen CN130014.

Submissions (2):

Ambry Genetics
Classification: Uncertain significance for Hereditary cancer-predisposing syndrome. Last evaluated: 2025-07-09. Review status: criteria provided, single submitter. Criteria: Ambry Variant Classification Scheme 2023. Collection method: clinical testing. Allele origin: germline.
Comment: The p.Y112F variant (also known as c.335A>T), located in coding exon 3 of the EGFR gene, results from an A to T substitution at nucleotide position 335. The tyrosine at codon 112 is replaced by phenylalanine, an amino acid with highly similar properties. This amino acid position is poorly conserved in available vertebrate species. In addition, this alteration is predicted to be tolerated by in silico analysis. Based on the available evidence, the clinical significance of this variant remains unclear.

Labcorp Genetics (formerly Invitae), Labcorp
Classification: Uncertain significance for EGFR-related lung cancer. Last evaluated: 2023-10-08. Review status: criteria provided, single submitter. Criteria: Invitae Variant Classification Sherloc (09022015). Collection method: clinical testing. Allele origin: germline.
Comment: This sequence change replaces tyrosine, which is neutral and polar, with phenylalanine, which is neutral and non-polar, at codon 112 of the EGFR protein (p.Tyr112Phe). This variant is not present in population databases (gnomAD no frequency). This variant has not been reported in the literature in individuals affected with EGFR-related conditions. Advanced modeling of protein sequence and biophysical properties (such as structural, functional, and spatial information, amino acid conservation, physicochemical variation, residue mobility, and thermodynamic stability) performed at Invitae indicates that this missense variant is not expected to disrupt EGFR protein function. In summary, the available evidence is currently insufficient to determine the role of this variant in disease. Therefore, it has been classified as a Variant of Uncertain Significance.